The following is an entry in ClinVar:

ClinVar aggregate classification (germline): Uncertain significance (1 of 4 stars; one submission).

Submission:

GeneDx
Classification: Uncertain significance. Last evaluated: 2023-02-06. Review status: criteria provided, single submitter. Criteria: GeneDx Variant Classification Process June 2021. Collection method: clinical testing. Allele origin: germline. Affected: yes.
Comment: Reported using an alternate transcript of the gene; Not observed at significant frequency in large population cohorts (gnomAD); Nonsense variant predicted to result in protein truncation as the last 18 amino acids are lost, although loss-of-function variants have not been reported downstream of this position in the protein; Has not been previously published as pathogenic or benign to our knowledge

NM_001042424.3(NSD2):c.1881+2569G>A

Gene: NSD2 (nuclear receptor binding SET domain protein 2; plus strand). Cytogenetic location: 4p16.3.
Variant type: single nucleotide variant.
Coding change: c.1881+2569G>A on transcript NM_001042424.3 (MANE Select); 2569 bases into the intron after coding-DNA position 1881, G replaced by A.
Molecular consequence: intron variant. On other transcripts: 3 prime UTR variant (1), nonsense (1).
Genome position (GRCh38, 1-based): chr4:1,942,347, G>A. VCF-style: chr4-1942347-G-A. GRCh37 (hg19) VCF-style: chr4-1944074-G-A.
Other names: c.*2560G>A (NM_007331.2); c.1890G>A, p.Trp630Ter (NM_133334.3); c.1881+2569G>A (NM_133330.3, NM_133331.3, NM_133335.4); short protein forms W630*.
Identifiers: ClinVar variation 2574707 (VCV002574707.1), dbSNP rs2474534425, ClinGen allele CA355980889.